The following is an entry in ClinVar:

ClinVar aggregate classification (germline): Uncertain significance (1 of 4 stars; one submission).

Submission:

GeneDx
Classification: Uncertain significance. Last evaluated: 2024-09-27. Review status: criteria provided, single submitter. Criteria: GeneDx Variant Classification Process June 2021. Collection method: clinical testing. Allele origin: germline. Affected: yes.
Comment: Not observed in large population cohorts (gnomAD); In silico analysis supports that this missense variant has a deleterious effect on protein structure/function; Has not been previously published as pathogenic or benign to our knowledge

NM_005257.6(GATA6):c.1579A>T (p.Ser527Cys)

Gene: GATA6 (GATA binding protein 6; plus strand). Cytogenetic location: 18q11.2.
Variant type: single nucleotide variant.
Coding change: c.1579A>T on transcript NM_005257.6 (MANE Select); coding-DNA position 1579, A replaced by T.
Protein change: p.Ser527Cys; replaces serine 527 with cysteine.
Molecular consequence: missense variant.
Genome position (GRCh38, 1-based): chr18:22,183,002, A>T. VCF-style: chr18-22183002-A-T. GRCh37 (hg19) VCF-style: chr18-19762963-A-T.
Other names: short protein forms S527C.
Identifiers: ClinVar variation 1303683 (VCV001303683.3), dbSNP rs2143304242, ClinGen allele CA401802910.